The following is an entry in ClinVar:

ClinVar aggregate classification (germline): Pathogenic/Likely pathogenic. Review status: criteria provided, multiple submitters, no conflicts (2 of 4 stars). 3 submissions from 3 submitters: Pathogenic (1); Likely pathogenic (2). Last evaluated 2024-12-03.

Conditions:
Noonan syndrome 10 (NS10). Identifiers: Orphanet 648, MedGen C4225280, MONDO:0014693, OMIM 616564.
LZTR1-related schwannomatosis. Also called: Schwannomatosis 2; Schwannomatosis-2, susceptibility to. Identifiers: Orphanet 93921, MedGen C3810283, MONDO:0014299, OMIM 615670.

Submissions (3):

Department of Clinical Genetics, Medical University of Lodz
Classification: Likely pathogenic for Noonan syndrome 10. Last evaluated: 2024-12-03. Review status: criteria provided, single submitter. Criteria: ACMG Guidelines, 2015. Collection method: clinical testing. Allele origin: germline. Inheritance: Autosomal dominant inheritance. Affected: yes. Observed: 1 variant allele.

Labcorp Genetics (formerly Invitae), Labcorp
Classification: Pathogenic. Last evaluated: 2024-06-15. Review status: criteria provided, single submitter. Criteria: Invitae Variant Classification Sherloc (09022015). Collection method: clinical testing. Allele origin: germline.
Comment: This sequence change creates a premature translational stop signal (p.Tyr741*) in the LZTR1 gene. It is expected to result in an absent or disrupted protein product. Loss-of-function variants in LZTR1 are known to be pathogenic (PMID: 24362817, 25335493, 25480913, 25795793, 29469822, 30368668, 30442762, 30442766, 30481304, 30859559). This variant is present in population databases (rs756794250, gnomAD 0.0009%). This variant has not been reported in the literature in individuals affected with LZTR1-related conditions. Algorithms developed to predict the effect of sequence changes on RNA splicing suggest that this variant may create or strengthen a splice site. For these reasons, this variant has been classified as Pathogenic.

Juno Genomics, Hangzhou Juno Genomics, Inc
Classification: Likely pathogenic for LZTR1-related schwannomatosis. Review status: criteria provided, single submitter. Criteria: ACMG Guidelines, 2015. Collection method: clinical testing. Allele origin: germline.
Comment: Null variant in a gene where loss of function (LOF) is a known mechanism of disease.;Absent from controls (or at extremely low frequency if recessive) in Genome Aggregation Database.

Literature cited by the submitters: DOI 10.1038/gim.2015.30 (cited by Department of Clinical Genetics, Medical University of Lodz); PubMed 24362817 (cited by Labcorp Genetics (formerly Invitae), Labcorp); PubMed 25335493 (cited by Labcorp Genetics (formerly Invitae), Labcorp); PubMed 25480913 (cited by Labcorp Genetics (formerly Invitae), Labcorp); PubMed 25795793 (cited by Labcorp Genetics (formerly Invitae), Labcorp); PubMed 29469822 (cited by Labcorp Genetics (formerly Invitae), Labcorp); PubMed 30368668 (cited by Labcorp Genetics (formerly Invitae), Labcorp); PubMed 30442762 (cited by Labcorp Genetics (formerly Invitae), Labcorp); PubMed 30442766 (cited by Labcorp Genetics (formerly Invitae), Labcorp); PubMed 30481304 (cited by Labcorp Genetics (formerly Invitae), Labcorp); PubMed 30859559 (cited by Labcorp Genetics (formerly Invitae), Labcorp).

NM_006767.4(LZTR1):c.2223C>G (p.Tyr741Ter)

Gene: LZTR1 (leucine zipper like post translational regulator 1; plus strand). Cytogenetic location: 22q11.21.
Variant type: single nucleotide variant.
Coding change: c.2223C>G on transcript NM_006767.4 (MANE Select); coding-DNA position 2223, C replaced by G.
Protein change: p.Tyr741Ter; replaces tyrosine 741 with a stop codon.
Molecular consequence: nonsense.
Genome position (GRCh38, 1-based): chr22:20,996,699, C>G. VCF-style: chr22-20996699-C-G. GRCh37 (hg19) VCF-style: chr22-21350988-C-G.
Other names: short protein forms Y741*.
Identifiers: ClinVar variation 3383351 (VCV003383351.5).